The following is an entry in ClinVar:

NM_006000.3(TUBA4A):c.888T>C (p.Phe296=)

Gene: TUBA4A (tubulin alpha 4a; minus strand). Cytogenetic location: 2q35.
Variant type: single nucleotide variant.
Coding change: c.888T>C on transcript NM_006000.3 (MANE Select); coding-DNA position 888, T replaced by C.
Protein change: p.Phe296=; no amino-acid change (phenylalanine 296 retained).
Molecular consequence: synonymous variant.
Genome position (GRCh38, 1-based): chr2:219,250,811, A>G on the plus strand (T>C on the coding strand, the complement: TUBA4A is on the minus strand). VCF-style: chr2-219250811-A-G. GRCh37 (hg19) VCF-style: chr2-220115533-A-G.
Other names: c.843T>C, p.Phe281= (NM_001278552.2).
Identifiers: ClinVar variation 3047854 (VCV003047854.2), dbSNP rs1559276084, ClinGen allele CA431426508.

ClinVar aggregate classification (germline): Likely benign (0 of 4 stars; one submission).

Conditions:
TUBA4A-related disorder. Also called: TUBA4A-related condition.

Submission:

PreventionGenetics, part of Exact Sciences
Classification: Likely benign for TUBA4A-related condition. Last evaluated: 2023-10-03. Review status: no assertion criteria provided. Collection method: clinical testing. Allele origin: germline.
Comment: This variant is classified as likely benign based on ACMG/AMP sequence variant interpretation guidelines (Richards et al. 2015 PMID: 25741868, with internal and published modifications).